The following is an entry in ClinVar:

NM_002900.3(RBP3):c.710G>A (p.Gly237Asp)

Gene: RBP3 (retinol binding protein 3; plus strand). Cytogenetic location: 10q11.22.
Variant type: single nucleotide variant.
Coding change: c.710G>A on transcript NM_002900.3 (MANE Select); coding-DNA position 710, G replaced by A.
Protein change: p.Gly237Asp; replaces glycine 237 with aspartic acid.
Molecular consequence: missense variant.
Genome position (GRCh38, 1-based): chr10:47,349,194, G>A. VCF-style: chr10-47349194-G-A. GRCh37 (hg19) VCF-style: chr10-48390168-C-T.
Other names: c.710G>A (NM_002900.2); short protein forms G237D.
Identifiers: ClinVar variation 1430402 (VCV001430402.7), dbSNP rs781957643, ClinGen allele CA5487719.
Genomic context (GRCh38, chr10:47,349,194, plus strand): 5'-TGGGAGAAAGGTACGGTGCCGACAAGGATGTGGTGGTCCTCACCAGCAGCCAGACCAGGG[G>A]CGTGGCCGAGGACATCGCGCACATCCTTAAGCAGATGCGCAGGGCCATCGTGGTGGGCGA-3'
Protein context (NP_002891.1, residues 227-247): VVVLTSSQTR[Gly237Asp]VAEDIAHILK

ClinVar aggregate classification (germline): Uncertain significance. Review status: criteria provided, multiple submitters, no conflicts (2 of 4 stars). 2 submissions from 2 submitters: Uncertain significance (2). Last evaluated 2025-05-06.

Conditions:
Inborn genetic diseases. Identifiers: MedGen C0950123, MeSH D030342.

Allele frequency attached by ClinVar (database versions not stated): gnomAD 0.00001.

Submissions (2):

Ambry Genetics
Classification: Uncertain significance for Inborn genetic diseases. Last evaluated: 2025-05-06. Review status: criteria provided, single submitter. Criteria: Ambry Variant Classification Scheme 2023. Collection method: clinical testing. Allele origin: germline.

Labcorp Genetics (formerly Invitae), Labcorp
Classification: Uncertain significance. Last evaluated: 2022-02-04. Review status: criteria provided, single submitter. Criteria: Invitae Variant Classification Sherloc (09022015). Collection method: clinical testing. Allele origin: germline.
Comment: In summary, the available evidence is currently insufficient to determine the role of this variant in disease. Therefore, it has been classified as a Variant of Uncertain Significance. Algorithms developed to predict the effect of missense changes on protein structure and function (SIFT, PolyPhen-2, Align-GVGD) all suggest that this variant is likely to be disruptive. This variant has not been reported in the literature in individuals affected with RBP3-related conditions. This variant is present in population databases (rs781957643, gnomAD 0.0009%). This sequence change replaces glycine, which is neutral and non-polar, with aspartic acid, which is acidic and polar, at codon 237 of the RBP3 protein (p.Gly237Asp).